The following is an entry in ClinVar:

NM_001887.4(CRYBB1):c.512C>T (p.Ala171Val)

Genes: CRYBA4 (crystallin beta A4; plus strand), CRYBB1 (crystallin beta B1; minus strand). Cytogenetic location: 22q12.1.
Variant type: single nucleotide variant.
Coding change: c.512C>T on transcript NM_001887.4 (MANE Select); coding-DNA position 512, C replaced by T.
Protein change: p.Ala171Val; replaces alanine 171 with valine.
Molecular consequence: missense variant.
Genome position (GRCh38, 1-based): chr22:26,601,942, G>A on the plus strand (C>T on the coding strand, the complement: CRYBB1 is on the minus strand). VCF-style: chr22-26601942-G-A. GRCh37 (hg19) VCF-style: chr22-26997906-G-A.
Other names: short protein forms A171V.
Identifiers: ClinVar variation 2416624 (VCV002416624.7), dbSNP rs753533677, ClinGen allele CA10165422.
Genomic context (GRCh38, chr22:26,601,942, plus strand): 5'-CCACTGGAGACCTTCACGCTGCCCACGCGGTCACTGAAGCCGTAGACCCAGAGACTGGGT[G>A]CGTCGTCCCCCTGGATCTCTATGGTGTTGCCCTTGAAGTTGGCCCCTTCAAACAGGGAGA-3'
Protein context (NP_001878.1, residues 161-181): GNTIEIQGDD[Ala171Val]PSLWVYGFSD

ClinVar aggregate classification (germline): Uncertain significance (1 of 4 stars; one submission).

Conditions:
Cataract 17 multiple types. Also called: CATARACT 17, PULVERULENT; CATARACT 17, CONGENITAL NUCLEAR, AUTOSOMAL RECESSIVE. Identifiers: Orphanet 91492, MedGen C3888124, MONDO:0012688, OMIM 611544.

Allele frequency attached by ClinVar (database versions not stated): gnomAD 0.00001; TOPMed 0.00008; gnomAD exomes 0.00011; ExAC 0.00025.
gnomAD v4.1: 65 of 1,613,190 alleles (0.004%); highest among the groups gnomAD compares: Admixed American, 0.11%; no homozygotes.

Submission:

Labcorp Genetics (formerly Invitae), Labcorp
Classification: Uncertain significance for Cataract 17 multiple types. Last evaluated: 2025-10-22. Review status: criteria provided, single submitter. Criteria: Invitae Variant Classification Sherloc (09022015). Collection method: clinical testing. Allele origin: germline.
Comment: This sequence change replaces alanine, which is neutral and non-polar, with valine, which is neutral and non-polar, at codon 171 of the CRYBB1 protein (p.Ala171Val). This variant is present in population databases (rs753533677, gnomAD 0.2%). This variant has not been reported in the literature in individuals affected with CRYBB1-related conditions. ClinVar contains an entry for this variant (Variation ID: 2416624). Invitae Evidence Modeling of protein sequence and biophysical properties (such as structural, functional, and spatial information, amino acid conservation, physicochemical variation, residue mobility, and thermodynamic stability) indicates that this missense variant is not expected to disrupt CRYBB1 protein function with a negative predictive value of 80%. In summary, the available evidence is currently insufficient to determine the role of this variant in disease. Therefore, it has been classified as a Variant of Uncertain Significance.